The following is an entry in ClinVar:

NM_032578.4(MYPN):c.1644C>T (p.Asn548=)

Gene: MYPN (myopalladin; plus strand). Cytogenetic location: 10q21.3.
Variant type: single nucleotide variant.
Coding change: c.1644C>T on transcript NM_032578.4 (MANE Select); coding-DNA position 1644, C replaced by T.
Protein change: p.Asn548=; no amino-acid change (asparagine 548 retained).
Molecular consequence: synonymous variant. On other transcripts: non-coding transcript variant (2).
Genome position (GRCh38, 1-based): chr10:68,166,337, C>T. VCF-style: chr10-68166337-C-T. GRCh37 (hg19) VCF-style: chr10-69926094-C-T.
Other names: c.1644C>T (NM_032578.3); c.1644C>T, p.Asn548= (NM_001256267.2); c.762C>T, p.Asn254= (NM_001256268.2).
Identifiers: ClinVar variation 1151879 (VCV001151879.13), dbSNP rs183523848, ClinGen allele CA208192448.

ClinVar aggregate classification (germline): Likely benign. Review status: criteria provided, multiple submitters, no conflicts (2 of 4 stars). 4 submissions from 4 submitters: Likely benign (4). Last evaluated 2026-02-02.

Conditions:
Cardiovascular phenotype. Identifiers: MedGen CN230736.
Dilated cardiomyopathy 1KK (CMD1KK). Identifiers: Orphanet 154, Orphanet 75249, MedGen C3714995, MONDO:0014100, OMIM 615248.
MYPN-related disorder. Also called: MYPN-related condition.

Allele frequency attached by ClinVar (database versions not stated): gnomAD exomes below 0.00001; gnomAD 0.00001; 1000 Genomes Project 30x 0.00016; 1000 Genomes Project 0.00020.
gnomAD v4.1: 3 of 1,614,122 alleles (0.00019%); highest among the groups gnomAD compares: East Asian, 0.0022%; no homozygotes.

Submissions (4):

PreventionGenetics, part of Exact Sciences
Classification: Likely benign for MYPN-related condition. Last evaluated: 2026-02-02. Review status: criteria provided, single submitter. Criteria: ACMG Guidelines, 2015. Collection method: clinical testing. Allele origin: germline.
Comment: This variant is classified as likely benign based on ACMG/AMP sequence variant interpretation guidelines (Richards et al. 2015 PMID: 25741868, with internal and published modifications).

Blueprint Genetics
Classification: Likely benign. Last evaluated: 2024-04-08. Review status: criteria provided, single submitter. Criteria: ACMG Guidelines, 2015. Collection method: clinical testing. Allele origin: germline.

Labcorp Genetics (formerly Invitae), Labcorp
Classification: Likely benign for Dilated cardiomyopathy 1KK. Last evaluated: 2024-01-06. Review status: criteria provided, single submitter. Criteria: Invitae Variant Classification Sherloc (09022015). Collection method: clinical testing. Allele origin: germline.

Ambry Genetics
Classification: Likely benign for Cardiovascular phenotype. Last evaluated: 2022-05-04. Review status: criteria provided, single submitter. Criteria: Ambry Variant Classification Scheme 2023. Collection method: clinical testing. Allele origin: germline.